The following is an entry in ClinVar:

ClinVar aggregate classification (germline): Conflicting classifications of pathogenicity. Review status: criteria provided, conflicting classifications (1 of 4 stars). 8 submissions from 8 submitters: Likely pathogenic (1); Uncertain significance (3); Likely benign (3). 1 of the submissions does not count toward it. Last evaluated 2026-01-22.

Conditions:
PRPH2-related disorder. Also called: PRPH2-related condition; PRPH2-related disorders. Identifiers: MedGen CN239395.
Usher syndrome. Also called: Usher Syndromes; Usher's syndrome. Identifiers: Orphanet 886, MedGen CN469326, MeSH D052245, MONDO:0019501. Disease mechanism: loss of function.
Stargardt disease (FFM). Also called: Fundus flavimaculatus; Stargardt's disease. Identifiers: Orphanet 827, MedGen C0271093, MONDO:0019353.

Allele frequency attached by ClinVar (database versions not stated): gnomAD below 0.00001 and 0.00011; TOPMed 0.00004; gnomAD exomes 0.00026 and 0.00046; ExAC 0.00064; 1000 Genomes Project 30x 0.00156; 1000 Genomes Project 0.00200.
gnomAD v4.1: 397 of 1,613,804 alleles (0.025%); highest among the groups gnomAD compares: South Asian, 0.41%; 3 homozygotes.

Submissions (8):

Labcorp Genetics (formerly Invitae), Labcorp
Classification: Likely benign for PRPH2-related disorder. Last evaluated: 2026-01-22. Review status: criteria provided, single submitter. Criteria: Invitae Variant Classification Sherloc (09022015). Collection method: clinical testing. Allele origin: germline.

PreventionGenetics, part of Exact Sciences
Classification: Likely benign for PRPH2-related condition. Last evaluated: 2025-03-20. Review status: criteria provided, single submitter. Criteria: ACMG Guidelines, 2015. Collection method: clinical testing. Allele origin: germline.
Comment: This variant is classified as likely benign based on ACMG/AMP sequence variant interpretation guidelines (Richards et al. 2015 PMID: 25741868, with internal and published modifications).

GeneDx
Classification: Uncertain significance. Last evaluated: 2024-12-23. Review status: criteria provided, single submitter. Criteria: GeneDx Variant Classification Process June 2021. Collection method: clinical testing. Allele origin: germline. Affected: yes.
Comment: Reported in the published literature in association with Stargardt disease (PMID: 32531846, 34411390); In silico analysis supports that this missense variant has a deleterious effect on protein structure/function; This variant is associated with the following publications: (PMID: 34411390, 32531846)

Blueprint Genetics
Classification: Likely benign. Last evaluated: 2024-03-25. Review status: criteria provided, single submitter. Criteria: ACMG Guidelines, 2015. Collection method: clinical testing. Allele origin: germline.

SN ONGC Dept of Genetics and Molecular biology Vision Research Foundation
Classification: Likely pathogenic for Usher syndrome. Last evaluated: 2022-12-31. Review status: criteria provided, single submitter. Criteria: ACMG Guidelines, 2015. Collection method: research. Allele origin: unknown. Affected: yes. Observed: 1 variant allele, 1 homozygote.

NEI Ophthalmic Genomics Laboratory, National Institutes of Health
Classification: Uncertain significance for Stargardt disease. Last evaluated: 2020-01-07. Review status: criteria provided, single submitter. Criteria: ACMG Guidelines, 2015. Collection method: clinical testing. Allele origin: germline. Affected: yes.
Comment: The variant NM_000322.4:c.725A>G in the PRPH2 gene has not been reported to our knowledge . This variant is listed in dbSNP and/or HGMD (rs542296728). It is present in gnomAD browser (AF 0.0004768). It is not enriched in the PRPH2 disease cohort. We invoked ACMG criteria [PM2, PP3] and classified NM_000322.4:c.725A>G in the PRPH2 gene as a Variant of Uncertain Significance.

Eurofins Ntd Llc (ga)
Classification: Uncertain significance. Last evaluated: 2014-08-11. Review status: criteria provided, single submitter. Criteria: EGL Classification Definitions 2015. Collection method: clinical testing. Allele origin: germline. Observed: 1 variant allele, 1 heterozygote.

Leiden Open Variation Database
Classification: Uncertain significance. Last evaluated: 2021-04-06. Review status: no assertion criteria provided. Collection method: curation. Allele origin: germline. Affected: yes. Not counted in ClinVar's aggregate classification.
Comment: Curator: Global Variome, with Curator vacancy. Submitter to LOVD: Manon Peeters.

Literature cited by the submitters: PubMed 32531846 (cited by Leiden Open Variation Database).

NM_000322.5(PRPH2):c.725A>G (p.Glu242Gly)

Gene: PRPH2 (peripherin 2; minus strand). Cytogenetic location: 6p21.1.
Variant type: single nucleotide variant.
Coding change: c.725A>G on transcript NM_000322.5 (MANE Select); coding-DNA position 725, A replaced by G.
Protein change: p.Glu242Gly; replaces glutamic acid 242 with glycine.
Molecular consequence: missense variant.
Genome position (GRCh38, 1-based): chr6:42,704,468, T>C on the plus strand (A>G on the coding strand, the complement: PRPH2 is on the minus strand). VCF-style: chr6-42704468-T-C. GRCh37 (hg19) VCF-style: chr6-42672206-T-C.
Other names: short protein forms E242G.
Identifiers: ClinVar variation 195062 (VCV000195062.42), dbSNP rs542296728, ClinGen allele CA241332.